The following is an entry in ClinVar:

ClinVar aggregate classification (germline): Uncertain significance. Review status: criteria provided, multiple submitters, no conflicts (2 of 4 stars). 2 submissions from 2 submitters: Uncertain significance (2). Last evaluated 2025-03-08.

gnomAD v4.1: 91 of 1,612,178 alleles (0.0056%); highest among the groups gnomAD compares: Non-Finnish European, 0.0071%; no homozygotes.

Submissions (2):

Ambry Genetics
Classification: Uncertain significance. Last evaluated: 2025-03-08. Review status: criteria provided, single submitter. Criteria: Ambry Variant Classification Scheme 2023. Collection method: clinical testing. Allele origin: germline.

GeneDx
Classification: Uncertain significance. Last evaluated: 2023-12-28. Review status: criteria provided, single submitter. Criteria: GeneDx Variant Classification Process June 2021. Collection method: clinical testing. Allele origin: germline. Affected: yes.
Comment: Not observed at significant frequency in large population cohorts (gnomAD); In silico analysis supports that this missense variant has a deleterious effect on protein structure/function; Has not been previously published as pathogenic or benign to our knowledge

NM_003366.4(UQCRC2):c.291C>G (p.Phe97Leu)

Genes: PDZD9 (PDZ domain containing 9), UQCRC2 (ubiquinol-cytochrome c reductase core protein 2). Cytogenetic location: 16p12.2.
Variant type: single nucleotide variant.
Coding change: c.291C>G on transcript NM_003366.4 (MANE Select); coding-DNA position 291, C replaced by G.
Protein change: p.Phe97Leu; replaces phenylalanine 97 with leucine.
Molecular consequence: missense variant.
Genome position (GRCh38, 1-based): chr16:21,958,558, C>G. VCF-style: chr16-21958558-C-G. GRCh37 (hg19) VCF-style: chr16-21969879-C-G.
Other names: short protein forms F97L.
Identifiers: ClinVar variation 3338703 (VCV003338703.2).